The following is an entry in ClinVar:

NM_000059.4(BRCA2):c.5770A>T (p.Ile1924Phe)

Gene: BRCA2 (BRCA2 DNA repair associated; plus strand). Cytogenetic location: 13q13.1.
Variant type: single nucleotide variant.
Coding change: c.5770A>T on transcript NM_000059.4 (MANE Select); coding-DNA position 5770, A replaced by T.
Protein change: p.Ile1924Phe; replaces isoleucine 1924 with phenylalanine.
Molecular consequence: missense variant.
Genome position (GRCh38, 1-based): chr13:32,340,125, A>T. VCF-style: chr13-32340125-A-T. GRCh37 (hg19) VCF-style: chr13-32914262-A-T.
Other names: short protein forms I1924F.
Identifiers: ClinVar variation 491297 (VCV000491297.20), dbSNP rs779020831, ClinGen allele CA387787102.

ClinVar aggregate classification (germline): Conflicting classifications of pathogenicity. Review status: criteria provided, conflicting classifications (1 of 4 stars). 5 submissions from 5 submitters: Uncertain significance (4); Likely benign (1). Last evaluated 2025-06-14.

Conditions:
Hereditary breast ovarian cancer syndrome. Also called: Hereditary breast and/or ovarian cancer syndrome; BRCA1- and BRCA2-Associated Hereditary Breast and Ovarian Cancer; Breast and ovarian cancer; Hereditary breast and ovarian cancer; Hereditary breast and ovarian cancer syndrome; Hereditary breast and ovarian cancer syndrome (HBOC). Identifiers: Orphanet 145, MedGen C0677776, MeSH D061325, MONDO:0003582. Disease mechanism: loss of function.
Hereditary cancer-predisposing syndrome. Also called: Hereditary neoplastic syndrome; Tumor predisposition; Hereditary Cancer Syndrome; Neoplastic Syndromes, Hereditary. Identifiers: Orphanet 140162, MedGen C0027672, MeSH D009386, MONDO:0015356.

Allele frequency attached by ClinVar (database versions not stated): gnomAD 0.00001; TOPMed 0.00001.
gnomAD v4.1: 2 of 1,613,378 alleles (0.00012%); highest among the groups gnomAD compares: Admixed American, 0.0017%; no homozygotes.

Submissions (5):

Ambry Genetics
Classification: Uncertain significance for Hereditary cancer-predisposing syndrome. Last evaluated: 2025-06-14. Review status: criteria provided, single submitter. Criteria: Ambry Variant Classification Scheme 2023. Collection method: clinical testing. Allele origin: germline.
Comment: The p.I1924F variant (also known as c.5770A>T), located in coding exon 10 of the BRCA2 gene, results from an A to T substitution at nucleotide position 5770. The isoleucine at codon 1924 is replaced by phenylalanine, an amino acid with highly similar properties. This amino acid position is conserved. In addition, the in silico prediction for this alteration is inconclusive. Since supporting evidence is limited at this time, the clinical significance of this alteration remains unclear.

Labcorp Genetics (formerly Invitae), Labcorp
Classification: Uncertain significance for Hereditary breast ovarian cancer syndrome. Last evaluated: 2024-11-03. Review status: criteria provided, single submitter. Criteria: Invitae Variant Classification Sherloc (09022015). Collection method: clinical testing. Allele origin: germline.
Comment: This sequence change replaces isoleucine, which is neutral and non-polar, with phenylalanine, which is neutral and non-polar, at codon 1924 of the BRCA2 protein (p.Ile1924Phe). This variant is not present in population databases (gnomAD no frequency). This variant has not been reported in the literature in individuals affected with BRCA2-related conditions. ClinVar contains an entry for this variant (Variation ID: 491297). Invitae Evidence Modeling of protein sequence and biophysical properties (such as structural, functional, and spatial information, amino acid conservation, physicochemical variation, residue mobility, and thermodynamic stability) indicates that this missense variant is not expected to disrupt BRCA2 protein function with a negative predictive value of 95%. In summary, the available evidence is currently insufficient to determine the role of this variant in disease. Therefore, it has been classified as a Variant of Uncertain Significance.

Quest Diagnostics Nichols Institute San Juan Capistrano
Classification: Uncertain significance. Last evaluated: 2023-11-09. Review status: criteria provided, single submitter. Criteria: Quest Diagnostics criteria. Collection method: clinical testing. Allele origin: unknown.
Comment: The BRCA2 c.5770A>T (p.Ile1924Phe) variant has not been reported in individuals with BRCA2-related conditions in the published literature. However, it has been described to be located in a region of the BRCA2 gene that is tolerant to missense sequence changes (PMID: 31911673 (2020)). The frequency of this variant in the general population, 0.0000066 (1/152210 chromosomes (Genome Aggregation Database)), is uninformative in the assessment of its pathogenicity. Analysis of this variant using bioinformatics tools for the prediction of the effect of amino acid changes on protein structure and function yielded conflicting predictions that this variant is benign or damaging. Based on the available information, we are unable to determine the clinical significance of this variant.

University of Washington Department of Laboratory Medicine, University of Washington
Classification: Likely benign for Hereditary cancer-predisposing syndrome. Last evaluated: 2023-03-23. Review status: criteria provided, single submitter. Criteria: Dines et al. (Genet Med. 2020). Collection method: curation. Allele origin: germline.
Comment: Missense variant in a coldspot region where missense variants are very unlikely to be pathogenic (PMID:31911673).

BRCA2 exon 11 coldspot. Reclassification based on statistical prior probability.

Color Diagnostics, LLC DBA Color Health
Classification: Uncertain significance for Hereditary cancer-predisposing syndrome. Last evaluated: 2021-10-12. Review status: criteria provided, single submitter. Criteria: ACMG Guidelines, 2015. Collection method: clinical testing. Allele origin: germline.
Comment: This missense variant replaces isoleucine with phenylalanine at codon 1924 of the BRCA2 protein. Computational prediction suggests that this variant may not impact protein structure and function (internally defined REVEL score threshold <= 0.5, PMID: 27666373). To our knowledge, functional studies have not been reported for this variant. This variant has not been reported in individuals affected with hereditary cancer in the literature. This variant has not been identified in the general population by the Genome Aggregation Database (gnomAD). The available evidence is insufficient to determine the role of this variant in disease conclusively. Therefore, this variant is classified as a Variant of Uncertain Significance.

Literature cited by the submitters: PubMed 31911673 (cited by Quest Diagnostics Nichols Institute San Juan Capistrano).